The following is an entry in ClinVar:

ClinVar aggregate classification (germline): Uncertain significance. Review status: criteria provided, multiple submitters, no conflicts (2 of 4 stars). 2 submissions from 2 submitters: Uncertain significance (2). Last evaluated 2023-08-02.

Conditions:
Dilated cardiomyopathy 1II (CMD1II). Identifiers: Orphanet 154, MedGen C3554649, MONDO:0014073, OMIM 615184.
Cardiovascular phenotype. Identifiers: MedGen CN230736.

gnomAD v4.1: 1 of 1,614,066 alleles (0.000062%); highest among the groups gnomAD compares: Admixed American, 0.0017%; no homozygotes.

Submissions (2):

Labcorp Genetics (formerly Invitae), Labcorp
Classification: Uncertain significance for Dilated cardiomyopathy 1II. Last evaluated: 2023-08-02. Review status: criteria provided, single submitter. Criteria: Invitae Variant Classification Sherloc (09022015). Collection method: clinical testing. Allele origin: germline.
Comment: ClinVar contains an entry for this variant (Variation ID: 1007609). This variant has not been reported in the literature in individuals affected with CRYAB-related conditions. This variant is present in population databases (rs781852612, gnomAD 0.003%). This sequence change replaces valine, which is neutral and non-polar, with leucine, which is neutral and non-polar, at codon 145 of the CRYAB protein (p.Val145Leu). In summary, the available evidence is currently insufficient to determine the role of this variant in disease. Therefore, it has been classified as a Variant of Uncertain Significance. An algorithm developed to predict the effect of missense changes on protein structure and function (PolyPhen-2) suggests that this variant is likely to be tolerated.

Ambry Genetics
Classification: Uncertain significance for Cardiovascular phenotype. Last evaluated: 2022-12-15. Review status: criteria provided, single submitter. Criteria: Ambry Variant Classification Scheme 2023. Collection method: clinical testing. Allele origin: germline.

NM_001289808.2(CRYAB):c.433G>C (p.Val145Leu)

Gene: CRYAB (crystallin alpha B; minus strand). Cytogenetic location: 11q23.1.
Variant type: single nucleotide variant.
Coding change: c.433G>C on transcript NM_001289808.2 (MANE Select); coding-DNA position 433, G replaced by C.
Protein change: p.Val145Leu; replaces valine 145 with leucine.
Molecular consequence: missense variant.
Genome position (GRCh38, 1-based): chr11:111,908,859, C>G on the plus strand (G>C on the coding strand, the complement: CRYAB is on the minus strand). VCF-style: chr11-111908859-C-G. GRCh37 (hg19) VCF-style: chr11-111779583-C-G.
Other names: c.433G>C (NM_001885.1); c.433G>C, p.Val145Leu (NM_001289807.1, NM_001368245.1, NM_001885.3); c.232G>C, p.Val78Leu (NM_001330379.1, NM_001368246.1); short protein forms V145L, V78L.
Identifiers: ClinVar variation 1007609 (VCV001007609.9), dbSNP rs781852612, ClinGen allele CA6275461.